The following is an entry in ClinVar:

ClinVar aggregate classification (germline): Likely pathogenic (1 of 4 stars; one submission).

Conditions:
Glycogen storage disease type III (GSD3). Also called: Cori disease; FORBES DISEASE. Identifiers: Orphanet 366, MedGen C0017922, MONDO:0009291, OMIM 232400.

Submission:

Myriad Genetics, Inc.
Classification: Likely pathogenic for Glycogen storage disease type III. Last evaluated: 2019-04-15. Review status: criteria provided, single submitter. Criteria: Myriad Women's Health Autosomal Recessive and X-Linked Classification Criteria (2019). Collection method: clinical testing. Allele origin: unknown.
Comment: NM_000642.2(AGL):c.1038T>A(C346*) is expected to be pathogenic in the context of glycogen storage disease type III. This variant is predicted to lead to an abnormal or absent protein product due to the creation of a premature termination codon in AGL, a gene where loss-of-function variants are known to be pathogenic. Please note: this variant was assessed in the context of healthy population screening.

NM_000642.3(AGL):c.1038T>A (p.Cys346Ter)

Gene: AGL (amylo-alpha-1,6-glucosidase and 4-alpha-glucanotransferase; plus strand). Cytogenetic location: 1p21.2.
Variant type: single nucleotide variant.
Coding change: c.1038T>A on transcript NM_000642.3 (MANE Select); coding-DNA position 1038, T replaced by A.
Protein change: p.Cys346Ter; replaces cysteine 346 with a stop codon.
Molecular consequence: nonsense.
Genome position (GRCh38, 1-based): chr1:99,874,766, T>A. VCF-style: chr1-99874766-T-A. GRCh37 (hg19) VCF-style: chr1-100340322-T-A.
Other names: c.1038T>A, p.Cys346Ter (NM_000643.3, NM_000644.3, NM_001425325.1 and 3 more transcripts); c.990T>A, p.Cys330Ter (NM_000646.3); c.834T>A, p.Cys278Ter (NM_001425328.1, NM_001425329.1); c.660T>A, p.Cys220Ter (NM_001425332.1); short protein forms C330*, C346*, C220*, C278*.
Identifiers: ClinVar variation 984154 (VCV000984154.3), dbSNP rs1651358664, ClinGen allele CA341343225.